The following is an entry in ClinVar:

ClinVar aggregate classification (germline): Benign/Likely benign. Review status: criteria provided, multiple submitters, no conflicts (2 of 4 stars). 8 submissions from 8 submitters: Benign (2); Likely benign (3). 3 of the submissions do not count toward it. Last evaluated 2026-01-26.

Allele frequency attached by ClinVar (database versions not stated): 1000 Genomes Project 0.00100; ESP Exome Variant Server 0.00108; 1000 Genomes Project 30x 0.00109; TOPMed 0.00116; gnomAD 0.00119 and 0.00121; gnomAD exomes 0.00124 and 0.00146; ExAC 0.00162.
gnomAD v4.1: 2,038 of 1,613,940 alleles (0.13%); highest among the groups gnomAD compares: Middle Eastern, 2.1%; 7 homozygotes.

Submissions (9):

Labcorp Genetics (formerly Invitae), Labcorp
Classification: Likely benign. Last evaluated: 2026-01-26. Review status: criteria provided, single submitter. Criteria: Invitae Variant Classification Sherloc (09022015). Collection method: clinical testing. Allele origin: germline.

Women's Health and Genetics/Laboratory Corporation of America, LabCorp
Classification: Benign. Last evaluated: 2025-11-03. Review status: criteria provided, single submitter. Criteria: LabCorp Variant Classification Summary - May 2015. Collection method: clinical testing. Allele origin: germline.

Blueprint Genetics
Classification: Likely benign. Last evaluated: 2024-11-19. Review status: criteria provided, single submitter. Criteria: ACMG Guidelines, 2015. Collection method: clinical testing. Allele origin: germline.

CeGaT Center for Human Genetics Tuebingen
Classification: Benign. Last evaluated: 2024-08-01. Review status: criteria provided, single submitter. Criteria: CeGaT Center For Human Genetics Tuebingen Variant Classification Criteria Version 2. Collection method: clinical testing. Allele origin: germline. Affected: yes. Observed: 4 variant alleles.
Comment: ARHGEF10: BS1, BS2

Breakthrough Genomics
Classification: Likely benign. Review status: criteria provided, single submitter. Criteria: ACMG Guidelines, 2015. Collection method: not provided. Allele origin: germline. Inheritance: Autosomal dominant inheritance. Affected: yes.

Clinical Genetics DNA and cytogenetics Diagnostics Lab, Erasmus MC, Erasmus Medical Center
Classification: Likely benign. Review status: no assertion criteria provided. Collection method: clinical testing. Allele origin: germline. Affected: yes. Study: VKGL Data-share Consensus. Not counted in ClinVar's aggregate classification.

Clinical Genetics, Academic Medical Center
Classification: Likely benign. Review status: no assertion criteria provided. Collection method: clinical testing. Allele origin: germline. Affected: yes. Study: VKGL Data-share Consensus. Not counted in ClinVar's aggregate classification.

Dr. Peter K. Rogan Lab, Western University
No classification provided (evidence only). Condition: Ovarian serous cystadenocarcinoma. Review status: no classification provided. Collection method: in vitro. Allele origin: not applicable. Functional consequence: retained intron. Not counted in ClinVar's aggregate classification.

Genome Diagnostics Laboratory, University Medical Center Utrecht
Classification: Likely benign. Review status: no assertion criteria provided. Collection method: clinical testing. Allele origin: germline. Affected: yes. Study: VKGL Data-share Consensus. Not counted in ClinVar's aggregate classification.

NM_014629.4(ARHGEF10):c.2921+5G>C

Gene: ARHGEF10 (Rho guanine nucleotide exchange factor 10; plus strand). Cytogenetic location: 8p23.3.
Variant type: single nucleotide variant.
Coding change: c.2921+5G>C on transcript NM_014629.4 (MANE Select); 5 bases into the intron after coding-DNA position 2921, G replaced by C.
Molecular consequence: intron variant.
Genome position (GRCh38, 1-based): chr8:1,928,655, G>C. VCF-style: chr8-1928655-G-C. GRCh37 (hg19) VCF-style: chr8-1876821-G-C.
Other names: c.2804+5G>C (NM_001438092.1, NM_001438093.1); c.2924+5G>C (NM_001438091.1); c.2807+5G>C (NM_001308152.2, NM_001438094.1); c.2921+5G>C (NM_001308153.3).
Identifiers: ClinVar variation 717682 (VCV000717682.38), dbSNP rs112954668, ClinGen allele CA4601117.